The following is an entry in ClinVar:

NM_020975.6(RET):c.1503T>G (p.Leu501=)

Gene: RET (ret proto-oncogene; plus strand). Cytogenetic location: 10q11.21.
Variant type: single nucleotide variant.
Coding change: c.1503T>G on transcript NM_020975.6 (MANE Select); coding-DNA position 1503, T replaced by G.
Protein change: p.Leu501=; no amino-acid change (leucine 501 retained).
Molecular consequence: synonymous variant. On other transcripts: intron variant (15).
Genome position (GRCh38, 1-based): chr10:43,111,446, T>G. VCF-style: chr10-43111446-T-G. GRCh37 (hg19) VCF-style: chr10-43606894-T-G.
Other names: c.741T>G, p.Leu247= (NM_001355216.2); c.1503T>G, p.Leu501= (NM_001406743.1, NM_001406744.1, NM_001406759.1 and 4 more transcripts); c.1374T>G, p.Leu458= (NM_001406761.1, NM_001406762.1, NM_001406764.1 and 1 more transcripts); c.1215T>G, p.Leu405= (NM_001406766.1, NM_001406767.1, NM_001406770.1); c.1107T>G, p.Leu369= (NM_001406769.1, NM_001406772.1); c.1065T>G, p.Leu355= (NM_001406771.1, NM_001406773.1); c.978T>G, p.Leu326= (NM_001406774.1); c.777T>G, p.Leu259= (NM_001406775.1, NM_001406776.1, NM_001406777.1 and 1 more transcripts); and 5 more.
Identifiers: ClinVar variation 4705541 (VCV004705541.1).
Genomic context (GRCh38, chr10:43,111,446, plus strand): 5'-TCACTACATGGTGGTGGCCACCGACCAGCAGACCTCTAGGCAGGCCCAGGCCCAGCTGCT[T>G]GTAACAGTGGAGGGGTCATGTGAGTGCCTGCTCCAGGGAGGGAGGGTCGGGGTCCTGGGG-3'
Protein context (NP_066124.1, residues 491-511): QTSRQAQAQL[Leu501=]VTVEGSYVAE

ClinVar aggregate classification (germline): Uncertain significance (1 of 4 stars; one submission).

Conditions:
Multiple endocrine neoplasia, type 2 (MEN2). Identifiers: Orphanet 653, MedGen C4048306, MONDO:0019003. Disease mechanism: gain of function.

Submission:

Labcorp Genetics (formerly Invitae), Labcorp
Classification: Uncertain significance for Multiple endocrine neoplasia, type 2. Last evaluated: 2025-06-16. Review status: criteria provided, single submitter. Criteria: Invitae Variant Classification Sherloc (09022015). Collection method: clinical testing. Allele origin: germline.
Comment: This sequence change affects codon 501 of the RET mRNA. It is a 'silent' change, meaning that it does not change the encoded amino acid sequence of the RET protein. This variant is not present in population databases (gnomAD no frequency). This variant has not been reported in the literature in individuals affected with RET-related conditions. Algorithms developed to predict the effect of sequence changes on RNA splicing suggest that this variant may create or strengthen a splice site. In summary, the available evidence is currently insufficient to determine the role of this variant in disease. Therefore, it has been classified as a Variant of Uncertain Significance.